The following is an entry in ClinVar:

ClinVar aggregate classification (germline): Conflicting classifications of pathogenicity. Review status: criteria provided, conflicting classifications (1 of 4 stars). 2 submissions from 2 submitters: Uncertain significance (1); Likely benign (1). Last evaluated 2023-09-29.

Allele frequency attached by ClinVar (database versions not stated): TOPMed below 0.00001; gnomAD exomes 0.00001.
gnomAD v4.1: 1 of 1,612,380 alleles (0.000062%); highest among the groups gnomAD compares: East Asian, 0.0022%; no homozygotes.

Submissions (2):

Labcorp Genetics (formerly Invitae), Labcorp
Classification: Likely benign. Last evaluated: 2023-09-29. Review status: criteria provided, single submitter. Criteria: Invitae Variant Classification Sherloc (09022015). Collection method: clinical testing. Allele origin: germline.

GeneDx
Classification: Uncertain significance. Last evaluated: 2021-04-12. Review status: criteria provided, single submitter. Criteria: GeneDx Variant Classification Process June 2021. Collection method: clinical testing. Allele origin: germline. Affected: yes.
Comment: Has not been previously published as pathogenic or benign to our knowledge; Not observed at a significant frequency in large population cohorts (Lek et al., 2016); At the protein level, in silico analysis, which includes protein predictors and evolutionary conservation, supports that this variant does not alter protein structure/function; At the mRNA level, in silico analysis suggests this variant may impact gene splicing; however, in the absence of RNA/functional studies, the actual effect of this sequence change is unknown

NM_080680.3(COL11A2):c.4970G>T (p.Gly1657Val)

Gene: COL11A2 (collagen type XI alpha 2 chain; minus strand). Cytogenetic location: 6p21.32.
Variant type: single nucleotide variant.
Coding change: c.4970G>T on transcript NM_080680.3 (MANE Select); coding-DNA position 4970, G replaced by T.
Protein change: p.Gly1657Val; replaces glycine 1657 with valine.
Molecular consequence: missense variant.
Genome position (GRCh38, 1-based): chr6:33,164,367, C>A on the plus strand (G>T on the coding strand, the complement: COL11A2 is on the minus strand). VCF-style: chr6-33164367-C-A. GRCh37 (hg19) VCF-style: chr6-33132144-C-A.
Other names: c.4649G>T, p.Gly1550Val (NM_080679.3); c.4712G>T, p.Gly1571Val (NM_080681.3); short protein forms G1550V, G1571V, G1657V.
Identifiers: ClinVar variation 1311729 (VCV001311729.5), dbSNP rs1300439797, ClinGen allele CA363616183.